The following is an entry in ClinVar:

NM_000095.3(COMP):c.871_872delinsTGTGCCCGCCC (p.Asn291delinsCysAlaArgPro)

Gene: COMP (cartilage oligomeric matrix protein; minus strand). Cytogenetic location: 19p13.11.
Variant type: Indel.
Coding change: c.871_872delinsTGTGCCCGCCC on transcript NM_000095.3 (MANE Select); coding-DNA positions 871 to 872, AA replaced by TGTGCCCGCCC.
Protein change: p.Asn291delinsCysAlaArgPro.
Molecular consequence: inframe indel.
Genome position (GRCh38, 1-based): chr19:18,788,315-18,788,316, TT replaced by GGGCGGGCACA on the plus strand (AA replaced by TGTGCCCGCCC on the coding strand, the reverse complement: COMP is on the minus strand). VCF-style: chr19-18788315-TT-GGGCGGGCACA. GRCh37 (hg19) VCF-style: chr19-18899124-TT-GGGCGGGCACA.
Identifiers: ClinVar variation 4293475 (VCV004293475.1).

ClinVar aggregate classification (germline): Likely pathogenic (1 of 4 stars; one submission).

Conditions:
Pseudoachondroplastic spondyloepiphyseal dysplasia syndrome (PSACH). Also called: PSEUDOACHONDROPLASTIC DYSPLASIA; Pseudoachondroplasia; COMP-Related Pseudoachondroplasia. Identifiers: Orphanet 750, MedGen C0410538, MONDO:0008322, OMIM 177170.

Submission:

3billion
Classification: Likely pathogenic for Pseudoachondroplastic spondyloepiphyseal dysplasia syndrome. Last evaluated: 2025-01-10. Review status: criteria provided, single submitter. Criteria: ACMG Guidelines, 2015. Collection method: clinical testing. Allele origin: germline. Affected: yes.
Comment: The variant is not observed in the gnomAD v4.1.0 dataset. Predicted Consequence/Location: The variant is located in a mutational hot spot and/or well-established functional domain in which established pathogenic variants have been reported. Inframe insertion located in a nonrepeat region: predicted to change the length of the protein and disrupt normal protein function. Therefore, this variant is classified as Likely pathogenic according to the recommendation of ACMG/AMP guideline.